The following is an entry in ClinVar:

NM_001046.3(SLC12A2):c.119C>T (p.Pro40Leu)

Genes: SLC12A2 (solute carrier family 12 member 2; plus strand), LOC129994526 (ATAC-STARR-seq lymphoblastoid silent region 16295; plus strand). Cytogenetic location: 5q23.3.
Variant type: single nucleotide variant.
Coding change: c.119C>T on transcript NM_001046.3 (MANE Select); coding-DNA position 119, C replaced by T.
Protein change: p.Pro40Leu; replaces proline 40 with leucine.
Molecular consequence: missense variant. On other transcripts: non-coding transcript variant (1).
Genome position (GRCh38, 1-based): chr5:128,084,073, C>T. VCF-style: chr5-128084073-C-T. GRCh37 (hg19) VCF-style: chr5-127419765-C-T.
Other names: c.119C>T, p.Pro40Leu (NM_001256461.2); short protein forms P40L.
Identifiers: ClinVar variation 3341336 (VCV003341336.1).

ClinVar aggregate classification (germline): Uncertain significance (1 of 4 stars; one submission).

Conditions:
Delpire-McNeill syndrome. Also called: SLC12A2-related autosomal dominant infantile-developmental delay-intellectual disability-sensorineural deafness syndrome. Identifiers: Orphanet 633024, MedGen C5436771, MONDO:0033667, OMIM 619083.

gnomAD v4.1: 1 of 1,317,558 alleles (0.000076%); highest among the groups gnomAD compares: Non-Finnish European, 0.000096%; no homozygotes.

Submission:

Neuberg Centre For Genomic Medicine, NCGM
Classification: Uncertain significance for Delpire-McNeill syndrome. Last evaluated: 2023-05-20. Review status: criteria provided, single submitter. Criteria: ACMG Guidelines, 2015. Collection method: clinical testing. Allele origin: germline. Inheritance: Autosomal dominant inheritance. Affected: yes.
Comment: The observed missense c.119C>T(p.Pro40Leu) variant in SLC12A2 gene has not been reported previously as a pathogenic variant nor as a benign variant, to our knowledge. This variant is absent in gnomAD Exomes. The amino acid Pro at position 40 is changed to a Leu changing protein sequence and it might alter its composition and physico-chemical properties. The amino acid change p.Pro40Leu in SLC12A2 is predicted as conserved by PhyloP across 100 vertebrates. Computational evidence (Polyphen - Benign, SIFT - Damaging, and MutationTaster - Polymorphism) predicts conflicting evidence on protein structure and function for this variant. For these reasons, this variant has been classified as Uncertain Significance.